The following is an entry in ClinVar:

NM_003072.5(SMARCA4):c.2330T>C (p.Leu777Pro)

Gene: SMARCA4 (SWI/SNF related BAF chromatin remodeling complex subunit ATPase 4; plus strand). Cytogenetic location: 19p13.2.
Variant type: single nucleotide variant.
Coding change: c.2330T>C on transcript NM_003072.5 (MANE Select); coding-DNA position 2330, T replaced by C.
Protein change: p.Leu777Pro; replaces leucine 777 with proline.
Molecular consequence: missense variant. On other transcripts: non-coding transcript variant (1).
Genome position (GRCh38, 1-based): chr19:11,013,004, T>C. VCF-style: chr19-11013004-T-C. GRCh37 (hg19) VCF-style: chr19-11123680-T-C.
Other names: c.2330T>C, p.Leu777Pro (NM_001128844.3, NM_001128845.2, NM_001128846.2 and 6 more transcripts); short protein forms L777P.
Identifiers: ClinVar variation 5029830 (VCV005029830.1).

ClinVar aggregate classification (germline): Uncertain significance (1 of 4 stars; one submission).

Conditions:
Hereditary cancer-predisposing syndrome. Also called: Neoplastic Syndromes, Hereditary; Tumor predisposition; Hereditary neoplastic syndrome; Hereditary Cancer Syndrome. Identifiers: Orphanet 140162, MedGen C0027672, MeSH D009386, MONDO:0015356.

Submission:

Ambry Genetics
Classification: Uncertain significance for Hereditary cancer-predisposing syndrome. Last evaluated: 2026-07-06. Review status: criteria provided, single submitter. Criteria: Ambry Variant Classification Scheme 2023. Collection method: clinical testing. Allele origin: germline.
Comment: The p.L777P variant (also known as c.2330T>C), located in coding exon 15 of the SMARCA4 gene, results from a T to C substitution at nucleotide position 2330. The leucine at codon 777 is replaced by proline, an amino acid with similar properties. This amino acid position is conserved. In addition, this alteration is predicted to be deleterious by in silico analysis. Based on the available evidence, the clinical significance of this variant remains unclear.